The following is an entry in ClinVar:

NM_004958.4(MTOR):c.2363C>T (p.Pro788Leu)

Gene: MTOR (mechanistic target of rapamycin kinase; minus strand). Cytogenetic location: 1p36.22.
Variant type: single nucleotide variant.
Coding change: c.2363C>T on transcript NM_004958.4 (MANE Select); coding-DNA position 2363, C replaced by T.
Protein change: p.Pro788Leu; replaces proline 788 with leucine.
Molecular consequence: missense variant.
Genome position (GRCh38, 1-based): chr1:11,233,456, G>A on the plus strand (C>T on the coding strand, the complement: MTOR is on the minus strand). VCF-style: chr1-11233456-G-A. GRCh37 (hg19) VCF-style: chr1-11293513-G-A.
Other names: c.2363C>T, p.Pro788Leu (NM_001386500.1); c.1115C>T, p.Pro372Leu (NM_001386501.1); short protein forms P788L, P372L.
Identifiers: ClinVar variation 3633500 (VCV003633500.2).

ClinVar aggregate classification (germline): Uncertain significance (1 of 4 stars; one submission).

gnomAD v4.1: 9 of 1,614,120 alleles (0.00056%); highest among the groups gnomAD compares: Non-Finnish European, 0.00076%; no homozygotes.

Submission:

Labcorp Genetics (formerly Invitae), Labcorp
Classification: Uncertain significance. Last evaluated: 2025-07-02. Review status: criteria provided, single submitter. Criteria: Invitae Variant Classification Sherloc (09022015). Collection method: clinical testing. Allele origin: germline.
Comment: This sequence change replaces proline, which is neutral and non-polar, with leucine, which is neutral and non-polar, at codon 788 of the MTOR protein (p.Pro788Leu). This variant is not present in population databases (gnomAD no frequency). This variant has not been reported in the literature in individuals affected with MTOR-related conditions. ClinVar contains an entry for this variant (Variation ID: 3633500). Invitae Evidence Modeling of protein sequence and biophysical properties (such as structural, functional, and spatial information, amino acid conservation, physicochemical variation, residue mobility, and thermodynamic stability) indicates that this missense variant is not expected to disrupt MTOR protein function with a negative predictive value of 95%. In summary, the available evidence is currently insufficient to determine the role of this variant in disease. Therefore, it has been classified as a Variant of Uncertain Significance.